The following is an entry in ClinVar:

NM_006015.6(ARID1A):c.5843G>A (p.Ser1948Asn)

Gene: ARID1A (AT-rich interaction domain 1A; plus strand). Cytogenetic location: 1p36.11.
Variant type: single nucleotide variant.
Coding change: c.5843G>A on transcript NM_006015.6 (MANE Select); coding-DNA position 5843, G replaced by A.
Protein change: p.Ser1948Asn; replaces serine 1948 with asparagine.
Molecular consequence: missense variant.
Genome position (GRCh38, 1-based): chr1:26,779,741, G>A. VCF-style: chr1-26779741-G-A. GRCh37 (hg19) VCF-style: chr1-27106232-G-A.
Other names: c.5192G>A, p.Ser1731Asn (NM_139135.4); short protein forms S1948N, S1731N.
Identifiers: ClinVar variation 2956676 (VCV002956676.3), dbSNP rs773925861, ClinGen allele CA707767.

ClinVar aggregate classification (germline): Uncertain significance (1 of 4 stars; one submission).

Allele frequency attached by ClinVar (database versions not stated): gnomAD exomes below 0.00001; ExAC 0.00001.
gnomAD v4.1: 1 of 1,614,128 alleles (0.000062%); highest among the groups gnomAD compares: East Asian, 0.0022%; no homozygotes.

Submission:

Labcorp Genetics (formerly Invitae), Labcorp
Classification: Uncertain significance. Last evaluated: 2022-11-29. Review status: criteria provided, single submitter. Criteria: Invitae Variant Classification Sherloc (09022015). Collection method: clinical testing. Allele origin: germline.
Comment: In summary, the available evidence is currently insufficient to determine the role of this variant in disease. Therefore, it has been classified as a Variant of Uncertain Significance. Advanced modeling of protein sequence and biophysical properties (such as structural, functional, and spatial information, amino acid conservation, physicochemical variation, residue mobility, and thermodynamic stability) performed at Invitae indicates that this missense variant is not expected to disrupt ARID1A protein function. This variant has not been reported in the literature in individuals affected with ARID1A-related conditions. This variant is present in population databases (rs773925861, gnomAD 0.006%). This sequence change replaces serine, which is neutral and polar, with asparagine, which is neutral and polar, at codon 1948 of the ARID1A protein (p.Ser1948Asn).